The following is an entry in ClinVar:

NM_001271.4(CHD2):c.3565G>A (p.Glu1189Lys)

Gene: CHD2 (chromodomain helicase DNA binding protein 2; plus strand). Cytogenetic location: 15q26.1.
Variant type: single nucleotide variant.
Coding change: c.3565G>A on transcript NM_001271.4 (MANE Select); coding-DNA position 3565, G replaced by A.
Protein change: p.Glu1189Lys; replaces glutamic acid 1189 with lysine.
Molecular consequence: missense variant.
Genome position (GRCh38, 1-based): chr15:92,992,968, G>A. VCF-style: chr15-92992968-G-A. GRCh37 (hg19) VCF-style: chr15-93536198-G-A.
Other names: short protein forms E1189K.
Identifiers: ClinVar variation 1720312 (VCV001720312.6), dbSNP rs2505580672, ClinGen allele CA393896760.

ClinVar aggregate classification (germline): Uncertain significance (1 of 4 stars; one submission).

Conditions:
Developmental and epileptic encephalopathy 94 (DEE94). Also called: CHD2-Related Neurodevelopmental Disorders; Epileptic encephalopathy, childhood-onset. Identifiers: Orphanet 1942, Orphanet 2382, MedGen C3809278, MONDO:0014150, OMIM 615369.

gnomAD v4.1: 1 of 1,613,954 alleles (0.000062%); no homozygotes.

Submission:

Labcorp Genetics (formerly Invitae), Labcorp
Classification: Uncertain significance for Developmental and epileptic encephalopathy 94. Last evaluated: 2022-07-20. Review status: criteria provided, single submitter. Criteria: Invitae Variant Classification Sherloc (09022015). Collection method: clinical testing. Allele origin: germline.
Comment: In summary, the available evidence is currently insufficient to determine the role of this variant in disease. Therefore, it has been classified as a Variant of Uncertain Significance. Advanced modeling of protein sequence and biophysical properties (such as structural, functional, and spatial information, amino acid conservation, physicochemical variation, residue mobility, and thermodynamic stability) performed at Invitae indicates that this missense variant is not expected to disrupt CHD2 protein function. This variant has not been reported in the literature in individuals affected with CHD2-related conditions. This variant is not present in population databases (gnomAD no frequency). This sequence change replaces glutamic acid, which is acidic and polar, with lysine, which is basic and polar, at codon 1189 of the CHD2 protein (p.Glu1189Lys).